The following is an entry in ClinVar:

NM_000426.4(LAMA2):c.9226T>G (p.Phe3076Val)

Gene: LAMA2 (laminin subunit alpha 2; plus strand). Cytogenetic location: 6q22.33.
Variant type: single nucleotide variant.
Coding change: c.9226T>G on transcript NM_000426.4 (MANE Select); coding-DNA position 9226, T replaced by G.
Protein change: p.Phe3076Val; replaces phenylalanine 3076 with valine.
Molecular consequence: missense variant.
Genome position (GRCh38, 1-based): chr6:129,516,204, T>G. VCF-style: chr6-129516204-T-G. GRCh37 (hg19) VCF-style: chr6-129837349-T-G.
Other names: c.9214T>G, p.Phe3072Val (NM_001079823.2); short protein forms F3072V, F3076V.
Identifiers: ClinVar variation 3010393 (VCV003010393.3), dbSNP rs2533608577, ClinGen allele CA365637214.

ClinVar aggregate classification (germline): Uncertain significance (1 of 4 stars; one submission).

Conditions:
LAMA2-related muscular dystrophy (LAMA2-RD). Also called: Laminin alpha 2-related dystrophy. Identifiers: MedGen C5679788, MONDO:0100228.

Allele frequency attached by ClinVar (database versions not stated): gnomAD exomes below 0.00001.
gnomAD v4.1: 2 of 1,614,116 alleles (0.00012%); highest among the groups gnomAD compares: South Asian, 0.0022%; no homozygotes.

Submission:

Labcorp Genetics (formerly Invitae), Labcorp
Classification: Uncertain significance for LAMA2-related muscular dystrophy. Last evaluated: 2023-09-18. Review status: criteria provided, single submitter. Criteria: Invitae Variant Classification Sherloc (09022015). Collection method: clinical testing. Allele origin: germline.
Comment: This sequence change replaces phenylalanine, which is neutral and non-polar, with valine, which is neutral and non-polar, at codon 3076 of the LAMA2 protein (p.Phe3076Val). This variant is not present in population databases (gnomAD no frequency). In summary, the available evidence is currently insufficient to determine the role of this variant in disease. Therefore, it has been classified as a Variant of Uncertain Significance. Advanced modeling of protein sequence and biophysical properties (such as structural, functional, and spatial information, amino acid conservation, physicochemical variation, residue mobility, and thermodynamic stability) performed at Invitae indicates that this missense variant is not expected to disrupt LAMA2 protein function. This variant has not been reported in the literature in individuals affected with LAMA2-related conditions.